The following is an entry in ClinVar:

ClinVar aggregate classification (germline): Benign. Review status: criteria provided, single submitter (1 of 4 stars). 2 submissions from 1 submitter: Benign (2). Last evaluated 2018-01-13.

Conditions:
Isolated focal cortical dysplasia type II (FCORD2). Also called: CORTICAL DYSPLASIA OF TAYLOR; Focal cortical dysplasia type II. Identifiers: Orphanet 268994, MedGen C1846385, MONDO:0011818, OMIM 607341, HP:0032051.
Tuberous sclerosis 1 (TSC1). Identifiers: Orphanet 805, MedGen C1854465, MONDO:0008612, OMIM 191100.

Allele frequency attached by ClinVar (database versions not stated): gnomAD 0.00034 and 0.00037; 1000 Genomes Project 30x 0.00047; TOPMed 0.00048; 1000 Genomes Project 0.00060; gnomAD exomes 0.00065.
gnomAD v4.1: 164 of 325,070 alleles (0.05%); highest among the groups gnomAD compares: East Asian, 0.51%; no homozygotes.

Submissions (2):

Illumina Laboratory Services, Illumina
Classification: Benign for Isolated focal cortical dysplasia type II. Last evaluated: 2018-01-13. Review status: criteria provided, single submitter. Criteria: ICSL Variant Classification Criteria 13 December 2019. Collection method: clinical testing. Allele origin: germline.
Comment: This variant was observed in the ICSL laboratory as part of a predisposition screen in an ostensibly healthy population. It had not been previously curated by ICSL or reported in the Human Gene Mutation Database (HGMD: prior to June 1st, 2018), and was therefore a candidate for classification through an automated scoring system. Utilizing variant allele frequency, disease prevalence and penetrance estimates, and inheritance mode, an automated score was calculated to assess if this variant is too frequent to cause the disease. Based on the score and internal cut-off values, a variant classified as benign is not then subjected to further curation. The score for this variant resulted in a classification of benign for this disease.

Illumina Laboratory Services, Illumina
Classification: Benign for Tuberous sclerosis 1. Last evaluated: 2018-01-13. Review status: criteria provided, single submitter. Criteria: ICSL Variant Classification Criteria 13 December 2019. Collection method: clinical testing. Allele origin: germline.
Comment: the same text as in the submission from Illumina Laboratory Services, Illumina above.

NM_000368.5(TSC1):c.*405A>G

Gene: TSC1 (TSC complex subunit 1; minus strand). Cytogenetic location: 9q34.13.
Variant type: single nucleotide variant.
Coding change: c.*405A>G on transcript NM_000368.5 (MANE Select); 405 bases downstream of the stop codon, A replaced by G.
Molecular consequence: 3 prime UTR variant.
Genome position (GRCh38, 1-based): chr9:132,895,830, T>C on the plus strand (A>G on the coding strand, the complement: TSC1 is on the minus strand). VCF-style: chr9-132895830-T-C. GRCh37 (hg19) VCF-style: chr9-135771217-T-C.
Other names: c.*405A>G (NM_001162426.2, NM_001162427.2, NM_001362177.2).
Identifiers: ClinVar variation 365498 (VCV000365498.5), dbSNP rs560193480, ClinGen allele CA10633013.
Genomic context (GRCh38, chr9:132,895,830, plus strand): 5'-TGTCCTCCTGGAAGGGACAAAACCAGACTTACCTGCAATGCAACAAACTACCTGGTCTAA[T>C]TGAGAGCCAACCCAGTTATCTGAACTTCGGGAAAGCAGAAAGTGGTGTGTTAGACTCAAA-3'